The following is an entry in ClinVar:

NM_000535.7(PMS2):c.1583del (p.Gly528fs)

Gene: PMS2 (PMS1 homolog 2, mismatch repair system component; minus strand). Cytogenetic location: 7p22.1.
Variant type: Deletion.
Coding change: c.1583del on transcript NM_000535.7 (MANE Select); coding-DNA position 1583, one base deleted (G; older notation c.1583delG).
Protein change: p.Gly528fs; shifts the reading frame from glycine 528.
Molecular consequence: frameshift variant. On other transcripts: non-coding transcript variant (1).
Genome position (GRCh38, 1-based): chr7:5,987,182, C deleted on the plus strand (G on the coding strand, the reverse complement: PMS2 is on the minus strand); the first of 4 consecutive C bases (chr7:5,987,182-5,987,185); deleting any one gives the same sequence. VCF-style (leftmost placement, unchanged base first): chr7-5987181-GC-G. GRCh37 (hg19) VCF-style: chr7-6026812-GC-G.
Other names: c.1583delG (NM_000535.5); c.1178del, p.Gly393fs (NM_001322003.2, NM_001322004.2, NM_001322005.2 and 1 more transcripts); c.1427del, p.Gly476fs (NM_001322006.2); c.1265del, p.Gly422fs (NM_001322007.2, NM_001322008.2); c.1022del, p.Gly341fs (NM_001322010.2); c.650del, p.Gly217fs (NM_001322011.2, NM_001322012.2); c.1010del, p.Gly337fs (NM_001322013.2); c.1583del, p.Gly528fs (NM_001322014.2); and 1 more; short protein forms G217fs, G337fs, G422fs, G476fs, G341fs, G393fs, G425fs, G528fs.
Identifiers: ClinVar variation 940040 (VCV000940040.11), dbSNP rs1783042060, ClinGen allele CA1139659555.
Genomic context (GRCh38, chr7:5,987,181, plus strand): 5'-ATCTGAAAAAGAGTCGTCAGTTTTAGGCGCTTTCTCCTGAGAGTCCACATGTTCCTGCGA[GC>G]CCCTGTCCCCTGGGGAGCTGGCCGCATACTCGCTGCTGCAGTGACTGCCCGTGTCTGGGA-3'

ClinVar aggregate classification (germline): Pathogenic. Review status: criteria provided, multiple submitters, no conflicts (2 of 4 stars). 3 submissions from 3 submitters: Pathogenic (3). Last evaluated 2023-09-20.

Conditions:
Lynch syndrome 4 (LYNCH4). Also called: Hereditary non-polyposis colorectal cancer, type 4; Colorectal cancer, hereditary nonpolyposis, type 4. Identifiers: Orphanet 144, MedGen C1838333, MONDO:0013699, OMIM 614337. Disease mechanism: loss of function.
Hereditary nonpolyposis colorectal neoplasms. Identifiers: MedGen C0009405, MeSH D003123.
Hereditary cancer-predisposing syndrome. Also called: Hereditary neoplastic syndrome; Neoplastic Syndromes, Hereditary; Tumor predisposition; Hereditary Cancer Syndrome. Identifiers: Orphanet 140162, MedGen C0027672, MeSH D009386, MONDO:0015356.

Submissions (3):

Myriad Genetics, Inc.
Classification: Pathogenic for Lynch syndrome 4. Last evaluated: 2023-09-20. Review status: criteria provided, single submitter. Criteria: Myriad Autosomal Dominant, Autosomal Recessive and X-Linked Classification Criteria (2023). Collection method: clinical testing. Allele origin: unknown.
Comment: This variant is considered pathogenic. This variant creates a frameshift predicted to result in premature protein truncation.

Ambry Genetics
Classification: Pathogenic for Hereditary cancer-predisposing syndrome. Last evaluated: 2022-10-24. Review status: criteria provided, single submitter. Criteria: Ambry Variant Classification Scheme 2023. Collection method: clinical testing. Allele origin: germline.
Comment: The c.1583delG pathogenic mutation, located in coding exon 11 of the PMS2 gene, results from a deletion of one nucleotide at nucleotide position 1583, causing a translational frameshift with a predicted alternate stop codon (p.G528Afs*67). This variant is considered to be rare based on population cohorts in the Genome Aggregation Database (gnomAD). This alteration is expected to result in loss of function by premature protein truncation or nonsense-mediated mRNA decay. As such, this alteration is interpreted as a disease-causing mutation.

Labcorp Genetics (formerly Invitae), Labcorp
Classification: Pathogenic for Hereditary nonpolyposis colorectal neoplasms. Last evaluated: 2022-05-27. Review status: criteria provided, single submitter. Criteria: Invitae Variant Classification Sherloc (09022015). Collection method: clinical testing. Allele origin: germline.
Comment: This variant is not present in population databases (gnomAD no frequency). This sequence change creates a premature translational stop signal (p.Gly528Alafs*67) in the PMS2 gene. It is expected to result in an absent or disrupted protein product. Loss-of-function variants in PMS2 are known to be pathogenic (PMID: 21376568, 24362816). This variant has not been reported in the literature in individuals affected with PMS2-related conditions. For these reasons, this variant has been classified as Pathogenic. ClinVar contains an entry for this variant (Variation ID: 940040).

Literature cited by the submitters: PubMed 21376568 (cited by Labcorp Genetics (formerly Invitae), Labcorp); PubMed 24362816 (cited by Labcorp Genetics (formerly Invitae), Labcorp).